The following is an entry in ClinVar:

NC_000017.10:g.(?_56289719)_(56294117_?)del

Gene: MKS1 (MKS transition zone complex subunit 1; minus strand). Cytogenetic location: 17q22.
Variant type: Deletion.
Identifiers: ClinVar variation 3242975 (VCV003242975.1).

ClinVar aggregate classification (germline): Pathogenic (1 of 4 stars; one submission).

Conditions:
Joubert syndrome. Also called: CEREBELLOPARENCHYMAL DISORDER IV; JOUBERT-BOLTSHAUSER SYNDROME; Familial aplasia of the vermis. Identifiers: Orphanet 475, MedGen C5979921, MONDO:0018772.
Meckel-Gruber syndrome. Also called: DYSENCEPHALIA SPLANCHNOCYSTICA; GRUBER SYNDROME; Dysencephalia splachnocystica. Identifiers: Orphanet 564, MedGen C0265215, MONDO:0018921.

Submission:

Labcorp Genetics (formerly Invitae), Labcorp
Classification: Pathogenic for Joubert syndrome; Meckel-Gruber syndrome. Last evaluated: 2023-07-29. Review status: criteria provided, single submitter. Criteria: Invitae Variant Classification Sherloc (09022015). Collection method: clinical testing. Allele origin: unknown.
Comment: For these reasons, this variant has been classified as Pathogenic. This variant has not been reported in the literature in individuals affected with MKS1-related conditions. This variant is a gross deletion of the genomic region encompassing exon(s) 3-9 of the MKS1 gene. This deletion is out-of-frame, and is expected to create a premature termination codon and result in an absent or disrupted protein product. Loss-of-function variants in MKS1 are known to be pathogenic (PMID: 19466712, 24886560, 26490104).

Literature cited by the submitters: PubMed 19466712; PubMed 24886560; PubMed 26490104.